The following is an entry in ClinVar:

ClinVar aggregate classification (germline): Uncertain significance (1 of 4 stars; one submission).

Conditions:
Rhabdoid tumor predisposition syndrome 2 (RTPS2). Identifiers: Orphanet 231108, Orphanet 69077, MedGen C2750074, MONDO:0013224, OMIM 613325.

Allele frequency attached by ClinVar (database versions not stated): gnomAD exomes below 0.00001.
gnomAD v4.1: 1 of 1,612,170 alleles (0.000062%); highest among the groups gnomAD compares: Non-Finnish European, 0.000085%; no homozygotes.

Submission:

Labcorp Genetics (formerly Invitae), Labcorp
Classification: Uncertain significance for Rhabdoid tumor predisposition syndrome 2. Last evaluated: 2024-10-02. Review status: criteria provided, single submitter. Criteria: Invitae Variant Classification Sherloc (09022015). Collection method: clinical testing. Allele origin: germline.
Comment: This sequence change falls in intron 6 of the SMARCA4 gene. It does not directly change the encoded amino acid sequence of the SMARCA4 protein. It affects a nucleotide within the consensus splice site. This variant is not present in population databases (gnomAD no frequency). This variant has not been reported in the literature in individuals affected with SMARCA4-related conditions. ClinVar contains an entry for this variant (Variation ID: 1062271). Variants that disrupt the consensus splice site are a relatively common cause of aberrant splicing (PMID: 17576681, 9536098). Algorithms developed to predict the effect of sequence changes on RNA splicing suggest that this variant is not likely to affect RNA splicing. In summary, the available evidence is currently insufficient to determine the role of this variant in disease. Therefore, it has been classified as a Variant of Uncertain Significance.

Literature cited by the submitters: PubMed 17576681; PubMed 9536098.

NM_003072.5(SMARCA4):c.1118+4A>T

Gene: SMARCA4 (SWI/SNF related BAF chromatin remodeling complex subunit ATPase 4; plus strand). Cytogenetic location: 19p13.2.
Variant type: single nucleotide variant.
Coding change: c.1118+4A>T on transcript NM_003072.5 (MANE Select); 4 bases into the intron after coding-DNA position 1118, A replaced by T.
Molecular consequence: intron variant.
Genome position (GRCh38, 1-based): chr19:10,987,928, A>T. VCF-style: chr19-10987928-A-T. GRCh37 (hg19) VCF-style: chr19-11098604-A-T.
Other names: c.1118+4A>T (NM_001128844.3, NM_001128849.3, NM_001128847.4 and 5 more transcripts).
Identifiers: ClinVar variation 1062271 (VCV001062271.6), dbSNP rs2086207488, ClinGen allele CA2322708596.